The following is an entry in ClinVar:

NM_007294.4(BRCA1):c.5332+15G>T

Gene: BRCA1 (BRCA1 DNA repair associated; minus strand). Cytogenetic location: 17q21.31.
Variant type: single nucleotide variant.
Coding change: c.5332+15G>T on transcript NM_007294.4 (MANE Select); 15 bases into the intron after coding-DNA position 5332, G replaced by T.
Molecular consequence: intron variant.
Genome position (GRCh38, 1-based): chr17:43,051,048, C>A on the plus strand (G>T on the coding strand, the complement: BRCA1 is on the minus strand). VCF-style: chr17-43051048-C-A. GRCh37 (hg19) VCF-style: chr17-41203065-C-A.
Other names: c.1879+15G>T (NM_001408458.1, NM_001408461.1, NM_001408464.1 and 7 more transcripts); c.4441+15G>T (NM_001407967.1); c.4951+15G>T (NM_001407959.1); c.5065+15G>T (NM_001407931.1, NM_001407932.1, NM_001407928.1 and 4 more transcripts); c.5188+15G>T (NM_001407747.1, NM_001407745.1, NM_001407737.1 and 21 more transcripts); c.4948+15G>T (NM_001407962.1, NM_001407960.1); c.1519+15G>T (NM_001408512.1); c.1642+15G>T (NM_001408510.1); and 74 more.
Identifiers: ClinVar variation 865330 (VCV000865330.3), dbSNP rs80358148, ClinGen allele CA916080992.

Conditions:
Breast-ovarian cancer, familial, susceptibility to, 1 (BROVCA1). Also called: BRCA1 Hereditary Breast and Ovarian Cancer; OVARIAN CANCER, SUSCEPTIBILITY TO. Identifiers: Orphanet 145, MedGen C2676676, MONDO:0011450, OMIM 604370. Disease mechanism: loss of function.

Submission:

Brotman Baty Institute, University of Washington
No classification provided (evidence only). Condition: Breast-ovarian cancer, familial 1. Review status: no classification provided. Collection method: in vitro. Allele origin: not applicable. Functional consequence: functionally_normal.
ClinVar note: "not provided" was previously submitted as the classification for the variant. However, the classification appeared to be based only on an observation of functional data so it was converted to no classification on 2025-07-30.